The following is an entry in ClinVar:

ClinVar aggregate classification (germline): Uncertain significance (1 of 4 stars; one submission).

Conditions:
Charcot-Marie-Tooth disease type 2. Also called: Charcot-Marie-Tooth type 2. Identifiers: Orphanet 64746, MedGen C0270914, MONDO:0018993.

Submission:

Labcorp Genetics (formerly Invitae), Labcorp
Classification: Uncertain significance for Charcot-Marie-Tooth disease type 2. Last evaluated: 2024-07-15. Review status: criteria provided, single submitter. Criteria: Invitae Variant Classification Sherloc (09022015). Collection method: clinical testing. Allele origin: germline.
Comment: This sequence change replaces glutamic acid, which is acidic and polar, with lysine, which is basic and polar, at codon 817 of the AARS protein (p.Glu817Lys). This variant is not present in population databases (gnomAD no frequency). This variant has not been reported in the literature in individuals affected with AARS-related conditions. Advanced modeling of protein sequence and biophysical properties (such as structural, functional, and spatial information, amino acid conservation, physicochemical variation, residue mobility, and thermodynamic stability) performed at Invitae indicates that this missense variant is not expected to disrupt AARS protein function with a negative predictive value of 80%. In summary, the available evidence is currently insufficient to determine the role of this variant in disease. Therefore, it has been classified as a Variant of Uncertain Significance.

NM_001605.3(AARS1):c.2449G>A (p.Glu817Lys)

Gene: AARS1 (alanyl-tRNA synthetase 1; minus strand). Cytogenetic location: 16q22.1.
Variant type: single nucleotide variant.
Coding change: c.2449G>A on transcript NM_001605.3 (MANE Select); coding-DNA position 2449, G replaced by A.
Protein change: p.Glu817Lys; replaces glutamic acid 817 with lysine.
Molecular consequence: missense variant.
Genome position (GRCh38, 1-based): chr16:70,253,990, C>T on the plus strand (G>A on the coding strand, the complement: AARS1 is on the minus strand). VCF-style: chr16-70253990-C-T. GRCh37 (hg19) VCF-style: chr16-70287893-C-T.
Other names: short protein forms E817K.
Identifiers: ClinVar variation 3659524 (VCV003659524.2).